The following is an entry in ClinVar:

ClinVar aggregate classification (germline): Uncertain significance (1 of 4 stars; one submission).

gnomAD v4.1: 11 of 1,610,502 alleles (0.00068%); highest among the groups gnomAD compares: Non-Finnish European, 0.00085%; no homozygotes.

Submission:

Labcorp Genetics (formerly Invitae), Labcorp
Classification: Uncertain significance. Last evaluated: 2024-04-12. Review status: criteria provided, single submitter. Criteria: Invitae Variant Classification Sherloc (09022015). Collection method: clinical testing. Allele origin: germline.
Comment: This sequence change replaces valine, which is neutral and non-polar, with isoleucine, which is neutral and non-polar, at codon 55 of the TCIRG1 protein (p.Val55Ile). This variant is not present in population databases (gnomAD no frequency). This variant has not been reported in the literature in individuals affected with TCIRG1-related conditions. Advanced modeling of protein sequence and biophysical properties (such as structural, functional, and spatial information, amino acid conservation, physicochemical variation, residue mobility, and thermodynamic stability) performed at Invitae indicates that this missense variant is not expected to disrupt TCIRG1 protein function with a negative predictive value of 80%. In summary, the available evidence is currently insufficient to determine the role of this variant in disease. Therefore, it has been classified as a Variant of Uncertain Significance.

NM_006019.4(TCIRG1):c.163G>A (p.Val55Ile)

Gene: TCIRG1 (T cell immune regulator 1, ATPase H+ transporting V0 subunit a3; plus strand). Cytogenetic location: 11q13.2.
Variant type: single nucleotide variant.
Coding change: c.163G>A on transcript NM_006019.4 (MANE Select); coding-DNA position 163, G replaced by A.
Protein change: p.Val55Ile; replaces valine 55 with isoleucine.
Molecular consequence: missense variant. On other transcripts: 5 prime UTR variant (1).
Genome position (GRCh38, 1-based): chr11:68,041,798, G>A. VCF-style: chr11-68041798-G-A. GRCh37 (hg19) VCF-style: chr11-67809265-G-A.
Other names: c.-1087G>A (NM_001351059.2); short protein forms V55I.
Identifiers: ClinVar variation 3631457 (VCV003631457.2).
Genomic context (GRCh38, chr11:68,041,798, plus strand): 5'-GTGTGGCACCCACAGCTCAACGCCTCGGTGAGCGCCTTCCAGAGACGCTTTGTGGTTGAT[G>A]TTCGGCGCTGTGAGGAGCTGGAGAAGACCTTCAGTGAGTTGGTCCCAGGCCTACATTCCA-3'
Protein context (NP_006010.2, residues 45-65): SAFQRRFVVD[Val55Ile]RRCEELEKTF